The following is an entry in ClinVar:

ClinVar aggregate classification (germline): Likely benign. Review status: criteria provided, multiple submitters, no conflicts (2 of 4 stars). 2 submissions from 2 submitters: Likely benign (2). Last evaluated 2018-06-18.

Allele frequency attached by ClinVar (database versions not stated): 1000 Genomes Project 0.01118; 1000 Genomes Project 30x 0.01187; gnomAD 0.00877 and 0.00939; TOPMed 0.00994.
gnomAD v4.1: 1,321 of 152,376 alleles (0.87%); highest among the groups gnomAD compares: African/African-American, 3%; 19 homozygotes.

Submissions (2):

GeneDx
Classification: Likely benign. Last evaluated: 2018-06-18. Review status: criteria provided, single submitter. Criteria: GeneDx Variant Classification (06012015). Collection method: clinical testing. Allele origin: germline. Affected: yes.
Comment: This variant is considered likely benign or benign based on one or more of the following criteria: it is a conservative change, it occurs at a poorly conserved position in the protein, it is predicted to be benign by multiple in silico algorithms, and/or has population frequency not consistent with disease.

Breakthrough Genomics
Classification: Likely benign. Review status: criteria provided, single submitter. Criteria: ACMG Guidelines, 2015. Collection method: not provided. Allele origin: germline. Inheritance: Autosomal dominant inheritance. Affected: yes.

NM_000069.3(CACNA1S):c.2551-192A>G

Gene: CACNA1S (calcium voltage-gated channel subunit alpha1 S; minus strand). Cytogenetic location: 1q32.1.
Variant type: single nucleotide variant.
Coding change: c.2551-192A>G on transcript NM_000069.3 (MANE Select); 192 bases into the intron before coding-DNA position 2551, A replaced by G.
Molecular consequence: intron variant.
Genome position (GRCh38, 1-based): chr1:201,067,185, T>C on the plus strand (A>G on the coding strand, the complement: CACNA1S is on the minus strand). VCF-style: chr1-201067185-T-C. GRCh37 (hg19) VCF-style: chr1-201036313-T-C.
Identifiers: ClinVar variation 678382 (VCV000678382.2), dbSNP rs76779825, ClinGen allele CA35971692.